The following is an entry in ClinVar:

ClinVar aggregate classification (germline): Pathogenic (1 of 4 stars; one submission).

Conditions:
Hereditary cancer-predisposing syndrome. Also called: Hereditary Cancer Syndrome; Hereditary neoplastic syndrome; Neoplastic Syndromes, Hereditary; Tumor predisposition. Identifiers: Orphanet 140162, MedGen C0027672, MeSH D009386, MONDO:0015356.

Submission:

Ambry Genetics
Classification: Pathogenic for Hereditary cancer-predisposing syndrome. Last evaluated: 2019-07-16. Review status: criteria provided, single submitter. Criteria: Ambry Variant Classification Scheme 2023. Collection method: clinical testing. Allele origin: germline.
Comment: The c.989_992dupCCCT variant, located in coding exon 8 of the BMPR1A gene, results from a duplication of CCCT at nucleotide position 989, causing a translational frameshift with a predicted alternate stop codon (p.L332Pfs*3). This alteration is expected to result in loss of function by premature protein truncation or nonsense-mediated mRNA decay. As such, this alteration is interpreted as a disease-causing mutation.

NM_004329.3(BMPR1A):c.989_992dup (p.Leu332fs)

Gene: BMPR1A (bone morphogenetic protein receptor type 1A; plus strand). Cytogenetic location: 10q23.2.
Variant type: Duplication.
Coding change: c.989_992dup on transcript NM_004329.3 (MANE Select); coding-DNA positions 989 to 992, 4 bases duplicated (CCCT; older notation c.989_992dupCCCT).
Protein change: p.Leu332fs; shifts the reading frame from leucine 332.
Molecular consequence: frameshift variant.
Genome position (GRCh38, 1-based): chr10:86,919,292-86,919,295, CCCT duplicated. VCF-style (leftmost placement, unchanged base first): chr10-86919291-G-GCCCT. GRCh37 (hg19) VCF-style: chr10-88679048-G-GCCCT.
Other names: c.989_992dupCCCT (NM_004329.2); c.1064_1067dup, p.Leu357Profs (NM_001406559.1); c.1037_1040dup, p.Leu348Profs (NM_001406560.1); c.989_992dup, p.Leu332Profs (NM_001406561.1, NM_001406562.1, NM_001406563.1 and 19 more transcripts); c.983_986dup, p.Leu330Profs (NM_001406583.1); c.905_908dup, p.Leu304Profs (NM_001406584.1, NM_001406585.1, NM_001406586.1 and 2 more transcripts); c.647_650dup, p.Leu218Profs (NM_001406589.1); short protein forms L332fs.
Identifiers: ClinVar variation 1768507 (VCV001768507.2), dbSNP rs2539620157, ClinGen allele CA2580082088.
Genomic context (GRCh38, chr10:86,919,291, plus strand): 5'-GATTACCATGAAAATGGATCTCTCTATGACTTCCTGAAATGTGCTACACTGGACACCAGA[G>GCCCT]CCCTGCTTAAATTGGCTTATTCAGCTGCCTGTGGTCTGTGCCACCTGCACACAGAAATTT-3'